The following is an entry in ClinVar:

NM_018975.4(TERF2IP):c.539T>G (p.Leu180Arg)

Gene: TERF2IP (TERF2 interacting protein; plus strand). Cytogenetic location: 16q23.1.
Variant type: single nucleotide variant.
Coding change: c.539T>G on transcript NM_018975.4 (MANE Select); coding-DNA position 539, T replaced by G.
Protein change: p.Leu180Arg; replaces leucine 180 with arginine.
Molecular consequence: missense variant. On other transcripts: non-coding transcript variant (1).
Genome position (GRCh38, 1-based): chr16:75,648,421, T>G. VCF-style: chr16-75648421-T-G. GRCh37 (hg19) VCF-style: chr16-75682319-T-G.
Other names: short protein forms L180R.
Identifiers: ClinVar variation 3019618 (VCV003019618.3), dbSNP rs778363843, ClinGen allele CA8178011.

ClinVar aggregate classification (germline): Uncertain significance (1 of 4 stars; one submission).

Allele frequency attached by ClinVar (database versions not stated): gnomAD 0.00001; ExAC 0.00002.
gnomAD v4.1: 4 of 1,605,888 alleles (0.00025%); highest among the groups gnomAD compares: Non-Finnish European, 0.00034%; no homozygotes.

Submission:

Labcorp Genetics (formerly Invitae), Labcorp
Classification: Uncertain significance. Last evaluated: 2023-08-17. Review status: criteria provided, single submitter. Criteria: Invitae Variant Classification Sherloc (09022015). Collection method: clinical testing. Allele origin: germline.
Comment: This sequence change replaces leucine, which is neutral and non-polar, with arginine, which is basic and polar, at codon 180 of the TERF2IP protein (p.Leu180Arg). This variant is present in population databases (rs778363843, gnomAD 0.001%). This variant has not been reported in the literature in individuals affected with TERF2IP-related conditions. An algorithm developed to predict the effect of missense changes on protein structure and function (PolyPhen-2) suggests that this variant is likely to be disruptive. In summary, the available evidence is currently insufficient to determine the role of this variant in disease. Therefore, it has been classified as a Variant of Uncertain Significance.